The following is an entry in ClinVar:

NM_003632.3(CNTNAP1):c.1385A>T (p.Asp462Val)

Gene: CNTNAP1 (contactin associated protein 1; plus strand). Cytogenetic location: 17q21.2.
Variant type: single nucleotide variant.
Coding change: c.1385A>T on transcript NM_003632.3 (MANE Select); coding-DNA position 1385, A replaced by T.
Protein change: p.Asp462Val; replaces aspartic acid 462 with valine.
Molecular consequence: missense variant.
Genome position (GRCh38, 1-based): chr17:42,688,540, A>T. VCF-style: chr17-42688540-A-T. GRCh37 (hg19) VCF-style: chr17-40840558-A-T.
Other names: short protein forms D462V.
Identifiers: ClinVar variation 3494703 (VCV003494703.2).

ClinVar aggregate classification (germline): Uncertain significance. Review status: criteria provided, multiple submitters, no conflicts (2 of 4 stars). 2 submissions from 2 submitters: Uncertain significance (2). Last evaluated 2026-04-27.

Conditions:
Inborn genetic diseases. Identifiers: MedGen C0950123, MeSH D030342.

gnomAD v4.1: 23 of 1,614,044 alleles (0.0014%); highest among the groups gnomAD compares: Admixed American, 0.03%; no homozygotes.

Submissions (2):

Women's Health and Genetics/Laboratory Corporation of America, LabCorp
Classification: Uncertain significance. Last evaluated: 2026-04-27. Review status: criteria provided, single submitter. Criteria: LabCorp Variant Classification Summary - May 2015. Collection method: clinical testing. Allele origin: germline.
Comment: Variant summary: CNTNAP1 c.1385A>T (p.Asp462Val) results in a non-conservative amino acid change in the encoded protein sequence. Algorithms developed to predict the effect of missense changes on protein structure and function all suggest that this variant is likely to be disruptive. The variant allele was found at a frequency of 5.2e-05 in 251492 control chromosomes. This frequency is not significantly higher than estimated for disease-causing variants in CNTNAP1, allowing no conclusion about variant significance. To our knowledge, no occurrence of c.1385A>T in individuals affected with CNTNAP1-related conditions and no experimental evidence demonstrating its impact on protein function have been reported. ClinVar contains an entry for this variant (Variation ID: 3494703). Based on the evidence outlined above, the variant was classified as uncertain significance.

Ambry Genetics
Classification: Uncertain significance for Inborn genetic diseases. Last evaluated: 2024-11-08. Review status: criteria provided, single submitter. Criteria: Ambry Variant Classification Scheme 2023. Collection method: clinical testing. Allele origin: germline.